The following is an entry in ClinVar:

NM_014305.4(TGDS):c.86+3A>C

Genes: TGDS (TDP-glucose 4,6-dehydratase; minus strand), LOC130009954 (ATAC-STARR-seq lymphoblastoid active region 7866; plus strand). Cytogenetic location: 13q32.1.
Variant type: single nucleotide variant.
Coding change: c.86+3A>C on transcript NM_014305.4 (MANE Select); 3 bases into the intron after coding-DNA position 86, A replaced by C.
Molecular consequence: intron variant. On other transcripts: 5 prime UTR variant (1).
Genome position (GRCh38, 1-based): chr13:94,596,048, T>G on the plus strand (A>C on the coding strand, the complement: TGDS is on the minus strand). VCF-style: chr13-94596048-T-G. GRCh37 (hg19) VCF-style: chr13-95248302-T-G.
Other names: c.-84A>C (NM_001304430.2).
Identifiers: ClinVar variation 1900006 (VCV001900006.5), dbSNP rs1257509685, ClinGen allele CA2111962049.
Genomic context (GRCh38, chr13:94,596,048, plus strand): 5'-AGCTGCGGGAAAAGGTAGGGGTTTCTGGGGAGCCACTGCTTGGCTAGCGGCGCCATTACC[T>G]ACATGAAACCAGCACCGCCGGTCACCAGGACCCGCTTCGCAAAGCCGCCGGGAAGACCCC-3'

ClinVar aggregate classification (germline): Uncertain significance (1 of 4 stars; one submission).

gnomAD v4.1: 8 of 1,613,944 alleles (0.0005%); highest among the groups gnomAD compares: Non-Finnish European, 0.00068%; no homozygotes.

Submission:

Labcorp Genetics (formerly Invitae), Labcorp
Classification: Uncertain significance. Last evaluated: 2022-11-01. Review status: criteria provided, single submitter. Criteria: Invitae Variant Classification Sherloc (09022015). Collection method: clinical testing. Allele origin: germline.
Comment: This variant has been observed in individual(s) with Catel-Manzke syndrome and/or clinical features of Catel-Manzke syndrome (Invitae). In at least one individual the data is consistent with being in trans (on the opposite chromosome) from a pathogenic variant. In summary, the available evidence is currently insufficient to determine the role of this variant in disease. Therefore, it has been classified as a Variant of Uncertain Significance. Variants that disrupt the consensus splice site are a relatively common cause of aberrant splicing (PMID: 17576681, 9536098). Algorithms developed to predict the effect of sequence changes on RNA splicing suggest that this variant may disrupt the consensus splice site. This variant is not present in population databases (gnomAD no frequency). This sequence change falls in intron 1 of the TGDS gene. It does not directly change the encoded amino acid sequence of the TGDS protein. It affects a nucleotide within the consensus splice site.

Literature cited by the submitters: PubMed 17576681; PubMed 9536098.